The following is an entry in ClinVar:

ClinVar aggregate classification (germline): Uncertain significance. Review status: criteria provided, multiple submitters, no conflicts (2 of 4 stars). 2 submissions from 2 submitters: Uncertain significance (2). Last evaluated 2025-11-19.

Allele frequency attached by ClinVar (database versions not stated): gnomAD 0.00001; TOPMed 0.00001; ExAC 0.00002; gnomAD exomes 0.00003 and 0.00004.
gnomAD v4.1: 51 of 1,613,756 alleles (0.0032%); highest among the groups gnomAD compares: Non-Finnish European, 0.0039%; no homozygotes.

Submissions (2):

Ambry Genetics
Classification: Uncertain significance. Last evaluated: 2025-11-19. Review status: criteria provided, single submitter. Criteria: Ambry Variant Classification Scheme 2023. Collection method: clinical testing. Allele origin: germline.

Labcorp Genetics (formerly Invitae), Labcorp
Classification: Uncertain significance. Last evaluated: 2024-04-04. Review status: criteria provided, single submitter. Criteria: Invitae Variant Classification Sherloc (09022015). Collection method: clinical testing. Allele origin: germline.
Comment: This sequence change replaces valine, which is neutral and non-polar, with methionine, which is neutral and non-polar, at codon 1744 of the SBF1 protein (p.Val1744Met). This variant is present in population databases (rs774487981, gnomAD 0.008%). This variant has not been reported in the literature in individuals affected with SBF1-related conditions. ClinVar contains an entry for this variant (Variation ID: 1419766). Algorithms developed to predict the effect of missense changes on protein structure and function output the following: SIFT: "Not Available"; PolyPhen-2: "Benign"; Align-GVGD: "Not Available". The methionine amino acid residue is found in multiple mammalian species, which suggests that this missense change does not adversely affect protein function. In summary, the available evidence is currently insufficient to determine the role of this variant in disease. Therefore, it has been classified as a Variant of Uncertain Significance.

NM_002972.4(SBF1):c.5230G>A (p.Val1744Met)

Gene: SBF1 (SET binding factor 1; minus strand). Cytogenetic location: 22q13.33.
Variant type: single nucleotide variant.
Coding change: c.5230G>A on transcript NM_002972.4 (MANE Select); coding-DNA position 5230, G replaced by A.
Protein change: p.Val1744Met; replaces valine 1744 with methionine.
Molecular consequence: missense variant.
Genome position (GRCh38, 1-based): chr22:50,448,366, C>T on the plus strand (G>A on the coding strand, the complement: SBF1 is on the minus strand). VCF-style: chr22-50448366-C-T. GRCh37 (hg19) VCF-style: chr22-50886795-C-T.
Other names: c.5230G>A (NM_002972.2); c.5155G>A, p.Val1719Met (NM_001365819.1); short protein forms V1719M, V1744M.
Identifiers: ClinVar variation 1419766 (VCV001419766.7), dbSNP rs774487981, ClinGen allele CA10315924.